The following is an entry in ClinVar:

NM_006922.4(SCN3A):c.82C>T (p.Arg28Cys)

Gene: SCN3A (sodium voltage-gated channel alpha subunit 3; minus strand). Cytogenetic location: 2q24.3.
Variant type: single nucleotide variant.
Coding change: c.82C>T on transcript NM_006922.4 (MANE Select); coding-DNA position 82, C replaced by T.
Protein change: p.Arg28Cys; replaces arginine 28 with cysteine.
Molecular consequence: missense variant.
Genome position (GRCh38, 1-based): chr2:165,176,313, G>A on the plus strand (C>T on the coding strand, the complement: SCN3A is on the minus strand). VCF-style: chr2-165176313-G-A. GRCh37 (hg19) VCF-style: chr2-166032823-G-A.
Other names: c.82C>T, p.Arg28Cys (NM_001081676.2, NM_001081677.2); short protein forms R28C.
Identifiers: ClinVar variation 1021315 (VCV001021315.8), dbSNP rs868421885, ClinGen allele CA60231507.

ClinVar aggregate classification (germline): Uncertain significance (1 of 4 stars; one submission).

Allele frequency attached by ClinVar (database versions not stated): gnomAD exomes 0.00001.
gnomAD v4.1: 12 of 1,613,980 alleles (0.00074%); highest among the groups gnomAD compares: Middle Eastern, 0.016%; no homozygotes.

Submission:

Labcorp Genetics (formerly Invitae), Labcorp
Classification: Uncertain significance. Last evaluated: 2024-01-07. Review status: criteria provided, single submitter. Criteria: Invitae Variant Classification Sherloc (09022015). Collection method: clinical testing. Allele origin: germline.
Comment: This sequence change replaces arginine, which is basic and polar, with cysteine, which is neutral and slightly polar, at codon 28 of the SCN3A protein (p.Arg28Cys). This variant is present in population databases (no rsID available, gnomAD 0.002%). This variant has not been reported in the literature in individuals affected with SCN3A-related conditions. ClinVar contains an entry for this variant (Variation ID: 1021315). Advanced modeling of protein sequence and biophysical properties (such as structural, functional, and spatial information, amino acid conservation, physicochemical variation, residue mobility, and thermodynamic stability) has been performed at Invitae for this missense variant, however the output from this modeling did not meet the statistical confidence thresholds required to predict the impact of this variant on SCN3A protein function. In summary, the available evidence is currently insufficient to determine the role of this variant in disease. Therefore, it has been classified as a Variant of Uncertain Significance.